The following is an entry in ClinVar:

NM_138713.4(NFAT5):c.1283G>A (p.Arg428His)

Gene: NFAT5 (nuclear factor of activated T cells 5; plus strand). Cytogenetic location: 16q22.1.
Variant type: single nucleotide variant.
Coding change: c.1283G>A on transcript NM_138713.4 (MANE Select); coding-DNA position 1283, G replaced by A.
Protein change: p.Arg428His; replaces arginine 428 with histidine.
Molecular consequence: missense variant.
Genome position (GRCh38, 1-based): chr16:69,659,813, G>A. VCF-style: chr16-69659813-G-A. GRCh37 (hg19) VCF-style: chr16-69693716-G-A.
Other names: c.1283G>A, p.Arg428His (NM_001113178.3); c.611G>A, p.Arg204His (NM_001367709.1); c.1229G>A, p.Arg410His (NM_006599.4); c.1001G>A, p.Arg334His (NM_138714.4, NM_173214.3, NM_173215.3); short protein forms R204H, R334H, R410H, R428H.
Identifiers: ClinVar variation 946195 (VCV000946195.9), dbSNP rs141565383, ClinGen allele CA8135505.

ClinVar aggregate classification (germline): Uncertain significance (1 of 4 stars; one submission).

Conditions:
Immunodeficiency. Identifiers: MedGen C0021051, MONDO:0021094, HP:0002721.

Allele frequency attached by ClinVar (database versions not stated): ExAC 0.00001; gnomAD exomes 0.00001 and 0.00002; TOPMed 0.00001; gnomAD 0.00002; ESP Exome Variant Server 0.00008.
gnomAD v4.1: 23 of 1,613,886 alleles (0.0014%); highest among the groups gnomAD compares: East Asian, 0.0022%; no homozygotes.

Submission:

Labcorp Genetics (formerly Invitae), Labcorp
Classification: Uncertain significance for Immunodeficiency. Last evaluated: 2025-02-17. Review status: criteria provided, single submitter. Criteria: Invitae Variant Classification Sherloc (09022015). Collection method: clinical testing. Allele origin: germline.
Comment: This sequence change replaces arginine, which is basic and polar, with histidine, which is basic and polar, at codon 334 of the NFAT5 protein (p.Arg334His). This variant is present in population databases (rs141565383, gnomAD 0.01%). This variant has not been reported in the literature in individuals affected with NFAT5-related conditions. ClinVar contains an entry for this variant (Variation ID: 946195). An algorithm developed to predict the effect of missense changes on protein structure and function (PolyPhen-2) suggests that this variant is likely to be disruptive. In summary, the available evidence is currently insufficient to determine the role of this variant in disease. Therefore, it has been classified as a Variant of Uncertain Significance.